The following is an entry in ClinVar:

ClinVar aggregate classification (germline): Uncertain significance (1 of 4 stars; one submission).

Submission:

Labcorp Genetics (formerly Invitae), Labcorp
Classification: Uncertain significance. Last evaluated: 2025-05-11. Review status: criteria provided, single submitter. Criteria: Invitae Variant Classification Sherloc (09022015). Collection method: clinical testing. Allele origin: germline.
Comment: This sequence change replaces glutamic acid, which is acidic and polar, with glycine, which is neutral and non-polar, at codon 40 of the FOXP1 protein (p.Glu40Gly). This variant is not present in population databases (gnomAD no frequency). This variant has not been reported in the literature in individuals affected with FOXP1-related conditions. Invitae Evidence Modeling of protein sequence and biophysical properties (such as structural, functional, and spatial information, amino acid conservation, physicochemical variation, residue mobility, and thermodynamic stability) indicates that this missense variant is not expected to disrupt FOXP1 protein function with a negative predictive value of 80%. In summary, the available evidence is currently insufficient to determine the role of this variant in disease. Therefore, it has been classified as a Variant of Uncertain Significance.

NM_001349338.3(FOXP1):c.119A>G (p.Glu40Gly)

Gene: FOXP1 (forkhead box P1; minus strand). Cytogenetic location: 3p13.
Variant type: single nucleotide variant.
Coding change: c.119A>G on transcript NM_001349338.3 (MANE Select); coding-DNA position 119, A replaced by G.
Protein change: p.Glu40Gly; replaces glutamic acid 40 with glycine.
Molecular consequence: missense variant. On other transcripts: non-coding transcript variant (2).
Genome position (GRCh38, 1-based): chr3:71,198,263, T>C on the plus strand (A>G on the coding strand, the complement: FOXP1 is on the minus strand). VCF-style: chr3-71198263-T-C. GRCh37 (hg19) VCF-style: chr3-71247414-T-C.
Other names: c.119A>G, p.Glu40Gly (NM_001012505.2, NM_001244808.3, NM_001244810.2 and 6 more transcripts); short protein forms E40G.
Identifiers: ClinVar variation 4741336 (VCV004741336.1).
Genomic context (GRCh38, chr3:71,198,263, plus strand): 5'-TGTTGCTGCTGCTGCTGGGCGTGGGCGAGGTCAGCTGCCCCGATGTCCACGGCCGGCGTC[T>C]CTCCGTTGGACCGCCCCTCCCGAAGACCGCCGCACTCTAGTAAGTGGTTGCTGCCGCCCG-3'
Protein context (NP_001336267.1, residues 30-50): GGLREGRSNG[Glu40Gly]TPAVDIGAAD